The following is an entry in ClinVar:

ClinVar aggregate classification (germline): Likely pathogenic (1 of 4 stars; one submission).

Conditions:
Neuronal ceroid lipofuscinosis 1 (CLN1). Also called: CEROID LIPOFUSCINOSIS, NEURONAL, 1, VARIABLE AGE AT ONSET; PPT1-Related Neuronal Ceroid-Lipofuscinosis. Identifiers: Orphanet 228329, MedGen C1850451, MONDO:0009744, OMIM 256730.

gnomAD v4.1: 2 of 1,614,108 alleles (0.00012%); highest among the groups gnomAD compares: African/African-American, 0.0013%; no homozygotes.

Submission:

Natera, Inc.
Classification: Likely pathogenic for Neuronal ceroid lipofuscinosis 1. Last evaluated: 2024-02-21. Review status: criteria provided, single submitter. Criteria: Natera Variant Classification Schema (03/2026). Collection method: clinical testing. Allele origin: germline.
Comment: The c.235-2A>G variant in PPT1 is a canonical splice acceptor site variant predicted to affect pre-mRNA splicing, which may result in an abnormal transcript and altered protein product. This variant is expected to result in nonsense mediated decay, truncation, or a dysfunctional protein product. This variant is rare in the general population with a frequency below the threshold expected for the associated phenotype(s). Given the available evidence, this variant is classified as Likely Pathogenic.

NM_000310.4(PPT1):c.235-2A>G

Gene: PPT1 (palmitoyl-protein thioesterase 1; minus strand). Cytogenetic location: 1p34.2.
Variant type: single nucleotide variant.
Coding change: c.235-2A>G on transcript NM_000310.4 (MANE Select); the canonical splice acceptor site of the intron before coding-DNA position 235, A replaced by G.
Molecular consequence: splice acceptor variant. On other transcripts: intron variant (1).
Genome position (GRCh38, 1-based): chr1:40,092,174, T>C on the plus strand (A>G on the coding strand, the complement: PPT1 is on the minus strand). VCF-style: chr1-40092174-T-C. GRCh37 (hg19) VCF-style: chr1-40557846-T-C.
Other names: c.125-2662A>G (NM_001142604.2); c.235-2A>G (NM_001363695.2).
Identifiers: ClinVar variation 4818145 (VCV004818145.1).